The following is an entry in ClinVar:

NM_000069.3(CACNA1S):c.4544-3C>T

Gene: CACNA1S (calcium voltage-gated channel subunit alpha1 S; minus strand). Cytogenetic location: 1q32.1.
Variant type: single nucleotide variant.
Coding change: c.4544-3C>T on transcript NM_000069.3 (MANE Select); 3 bases into the intron before coding-DNA position 4544, C replaced by T.
Molecular consequence: intron variant.
Genome position (GRCh38, 1-based): chr1:201,047,242, G>A on the plus strand (C>T on the coding strand, the complement: CACNA1S is on the minus strand). VCF-style: chr1-201047242-G-A. GRCh37 (hg19) VCF-style: chr1-201016370-G-A.
Identifiers: ClinVar variation 3070245 (VCV003070245.2), dbSNP rs113272243, ClinGen allele CA528536505.

ClinVar aggregate classification (germline): Likely benign. Review status: criteria provided, multiple submitters, no conflicts (2 of 4 stars). 2 submissions from 2 submitters: Likely benign (2). Last evaluated 2023-12-13.

Conditions:
Malignant hyperthermia, susceptibility to, 5 (MHS5). Also called: CACNA1S-Related Malignant Hyperthermia Susceptibility. Identifiers: Orphanet 423, MedGen C1866077, MONDO:0011163, OMIM 601887.

Allele frequency attached by ClinVar (database versions not stated): gnomAD exomes below 0.00001; gnomAD 0.00001; TOPMed 0.00001.
gnomAD v4.1: 2 of 1,614,076 alleles (0.00012%); highest among the groups gnomAD compares: Admixed American, 0.0033%; no homozygotes.

Submissions (2):

All of Us Research Program, National Institutes of Health
Classification: Likely benign for Malignant hyperthermia, susceptibility to, 5. Last evaluated: 2023-12-13. Review status: criteria provided, single submitter. Criteria: ACMG Guidelines, 2015. Collection method: clinical testing. Allele origin: germline. Inheritance: Autosomal dominant inheritance. Observed: 2 variant alleles, 2 heterozygotes.
Comment: This study involves interpretation of variants in research participants for the purpose of population health screening. Participant phenotype was not available at the time of variant classification. Additional details can be found in publication PMID: 35346344, PMCID: PMC8962531

Color Diagnostics, LLC DBA Color Health
Classification: Likely benign for Malignant hyperthermia, susceptibility to, 5. Last evaluated: 2023-03-30. Review status: criteria provided, single submitter. Criteria: ACMG Guidelines, 2015. Collection method: clinical testing. Allele origin: germline.